The following is an entry in ClinVar:

NM_000179.3(MSH6):c.2037G>T (p.Leu679Phe)

Gene: MSH6 (mutS homolog 6; plus strand). Cytogenetic location: 2p16.3.
Variant type: single nucleotide variant.
Coding change: c.2037G>T on transcript NM_000179.3 (MANE Select); coding-DNA position 2037, G replaced by T.
Protein change: p.Leu679Phe; replaces leucine 679 with phenylalanine.
Molecular consequence: missense variant. On other transcripts: non-coding transcript variant (5), intron variant (2).
Genome position (GRCh38, 1-based): chr2:47,800,020, G>T. VCF-style: chr2-47800020-G-T. GRCh37 (hg19) VCF-style: chr2-48027159-G-T.
Other names: c.1647G>T, p.Leu549Phe (NM_001281492.2); c.1131G>T, p.Leu377Phe (NM_001281493.2, NM_001281494.2, NM_001406811.1 and 6 more transcripts); c.2133G>T, p.Leu711Phe (NM_001406795.1, NM_001406802.1); c.2037G>T, p.Leu679Phe (NM_001406796.1, NM_001406798.1, NM_001406800.1 and 3 more transcripts); c.1740G>T, p.Leu580Phe (NM_001406797.1, NM_001406801.1, NM_001406805.1 and 10 more transcripts); c.1512G>T, p.Leu504Phe (NM_001406799.1, NM_001406806.1, NM_001406807.1); c.1959G>T, p.Leu653Phe (NM_001406804.1); c.2043G>T, p.Leu681Phe (NM_001406813.1); and 3 more; short protein forms L377F, L504F, L623F, L679F, L681F, L711F, L549F, L580F.
Identifiers: ClinVar variation 3913715 (VCV003913715.1).
Genomic context (GRCh38, chr2:47,800,020, plus strand): 5'-TAAAGGTATGACTTCAGAGTCTGATTCCATTGGGTTGACACCAGGAGAGAAAAGTGAATT[G>T]GCCCTCTCTGCTCTAGGTGGTTGTGTCTTCTACCTCAAAAAATGCCTTATTGATCAGGAG-3'
Protein context (NP_000170.1, residues 669-689): IGLTPGEKSE[Leu679Phe]ALSALGGCVF

ClinVar aggregate classification (germline): Uncertain significance (1 of 4 stars; one submission).

Conditions:
Hereditary cancer-predisposing syndrome. Also called: Hereditary Cancer Syndrome; Hereditary neoplastic syndrome; Neoplastic Syndromes, Hereditary; Tumor predisposition. Identifiers: Orphanet 140162, MedGen C0027672, MeSH D009386, MONDO:0015356.

Submission:

Ambry Genetics
Classification: Uncertain significance for Hereditary cancer-predisposing syndrome. Last evaluated: 2025-04-03. Review status: criteria provided, single submitter. Criteria: Ambry Variant Classification Scheme 2023. Collection method: clinical testing. Allele origin: germline.
Comment: The p.L679F variant (also known as c.2037G>T), located in coding exon 4 of the MSH6 gene, results from a G to T substitution at nucleotide position 2037. The leucine at codon 679 is replaced by phenylalanine, an amino acid with highly similar properties. This amino acid position is conserved. In addition, this alteration is predicted to be deleterious by in silico analysis. Based on the available evidence, the clinical significance of this variant remains unclear.